The following is an entry in ClinVar:

NM_032228.6(FAR1):c.1164G>C (p.Met388Ile)

Gene: FAR1 (fatty acyl-CoA reductase 1; plus strand). Cytogenetic location: 11p15.3.
Variant type: single nucleotide variant.
Coding change: c.1164G>C on transcript NM_032228.6 (MANE Select); coding-DNA position 1164, G replaced by C.
Protein change: p.Met388Ile; replaces methionine 388 with isoleucine.
Molecular consequence: missense variant.
Genome position (GRCh38, 1-based): chr11:13,721,766, G>C. VCF-style: chr11-13721766-G-C. GRCh37 (hg19) VCF-style: chr11-13743313-G-C.
Other names: short protein forms M388I.
Identifiers: ClinVar variation 1998740 (VCV001998740.4), dbSNP rs1848611840, ClinGen allele CA379858704.

ClinVar aggregate classification (germline): Uncertain significance (1 of 4 stars; one submission).

Allele frequency attached by ClinVar (database versions not stated): TOPMed below 0.00001.

Submission:

Labcorp Genetics (formerly Invitae), Labcorp
Classification: Uncertain significance. Last evaluated: 2025-08-04. Review status: criteria provided, single submitter. Criteria: Invitae Variant Classification Sherloc (09022015). Collection method: clinical testing. Allele origin: germline.
Comment: This sequence change replaces methionine, which is neutral and non-polar, with isoleucine, which is neutral and non-polar, at codon 388 of the FAR1 protein (p.Met388Ile). This variant is not present in population databases (gnomAD no frequency). This variant has not been reported in the literature in individuals affected with FAR1-related conditions. ClinVar contains an entry for this variant (Variation ID: 1998740). Invitae Evidence Modeling of protein sequence and biophysical properties (such as structural, functional, and spatial information, amino acid conservation, physicochemical variation, residue mobility, and thermodynamic stability) indicates that this missense variant is not expected to disrupt FAR1 protein function with a negative predictive value of 80%. In summary, the available evidence is currently insufficient to determine the role of this variant in disease. Therefore, it has been classified as a Variant of Uncertain Significance.